The following is an entry in ClinVar:

ClinVar aggregate classification (germline): Uncertain significance (1 of 4 stars; one submission).

Allele frequency attached by ClinVar (database versions not stated): TOPMed 0.00001.
gnomAD v4.1: 11 of 1,603,792 alleles (0.00069%); highest among the groups gnomAD compares: Admixed American, 0.019%; 1 homozygote.

Submission:

Labcorp Genetics (formerly Invitae), Labcorp
Classification: Uncertain significance. Last evaluated: 2022-03-25. Review status: criteria provided, single submitter. Criteria: Invitae Variant Classification Sherloc (09022015). Collection method: clinical testing. Allele origin: germline.
Comment: This sequence change replaces methionine, which is neutral and non-polar, with leucine, which is neutral and non-polar, at codon 948 of the VPS13C protein (p.Met948Leu). This variant is not present in population databases (gnomAD no frequency). This variant has not been reported in the literature in individuals affected with VPS13C-related conditions. Algorithms developed to predict the effect of missense changes on protein structure and function output the following: SIFT: "Tolerated"; PolyPhen-2: "Benign"; Align-GVGD: "Class C0". The leucine amino acid residue is found in multiple mammalian species, which suggests that this missense change does not adversely affect protein function. In summary, the available evidence is currently insufficient to determine the role of this variant in disease. Therefore, it has been classified as a Variant of Uncertain Significance.

NM_020821.3(VPS13C):c.2842A>T (p.Met948Leu)

Gene: VPS13C (vacuolar protein sorting 13 homolog C; minus strand). Cytogenetic location: 15q22.2.
Variant type: single nucleotide variant.
Coding change: c.2842A>T on transcript NM_020821.3 (MANE Select); coding-DNA position 2842, A replaced by T.
Protein change: p.Met948Leu; replaces methionine 948 with leucine.
Molecular consequence: missense variant.
Genome position (GRCh38, 1-based): chr15:61,969,368, T>A on the plus strand (A>T on the coding strand, the complement: VPS13C is on the minus strand). VCF-style: chr15-61969368-T-A. GRCh37 (hg19) VCF-style: chr15-62261567-T-A.
Other names: c.2842A>T, p.Met948Leu (NM_001018088.3); c.2713A>T, p.Met905Leu (NM_017684.5, NM_018080.4); short protein forms M905L, M948L.
Identifiers: ClinVar variation 2182123 (VCV002182123.1), dbSNP rs757489479, ClinGen allele CA392710426.